The following is an entry in ClinVar:

NM_019892.6(INPP5E):c.301G>C (p.Glu101Gln)

Gene: INPP5E (inositol polyphosphate-5-phosphatase E; minus strand). Cytogenetic location: 9q34.3.
Variant type: single nucleotide variant.
Coding change: c.301G>C on transcript NM_019892.6 (MANE Select); coding-DNA position 301, G replaced by C.
Protein change: p.Glu101Gln; replaces glutamic acid 101 with glutamine.
Molecular consequence: missense variant.
Genome position (GRCh38, 1-based): chr9:136,439,119, C>G on the plus strand (G>C on the coding strand, the complement: INPP5E is on the minus strand). VCF-style: chr9-136439119-C-G. GRCh37 (hg19) VCF-style: chr9-139333571-C-G.
Other names: c.301G>C (NM_019892.5); c.301G>C, p.Glu101Gln (NM_001318502.2); short protein forms E101Q.
Identifiers: ClinVar variation 933822 (VCV000933822.11), dbSNP rs566641584, ClinGen allele CA5337187.

ClinVar aggregate classification (germline): Uncertain significance. Review status: criteria provided, multiple submitters, no conflicts (2 of 4 stars). 3 submissions from 3 submitters: Uncertain significance (3). Last evaluated 2025-06-10.

Conditions:
INPP5E-related disorder. Also called: INPP5E-related condition.
Joubert syndrome. Also called: Familial aplasia of the vermis; JOUBERT-BOLTSHAUSER SYNDROME. Identifiers: Orphanet 475, MedGen C5979921, MONDO:0018772.

Allele frequency attached by ClinVar (database versions not stated): gnomAD exomes below 0.00001; TOPMed 0.00003; gnomAD 0.00004 and 0.00005; ExAC 0.00007; 1000 Genomes Project 0.00040; 1000 Genomes Project 30x 0.00047.
gnomAD v4.1: 8 of 1,584,766 alleles (0.0005%); highest among the groups gnomAD compares: African/African-American, 0.011%; no homozygotes.

Submissions (3):

PreventionGenetics, part of Exact Sciences
Classification: Uncertain significance for INPP5E-related condition. Last evaluated: 2025-06-10. Review status: criteria provided, single submitter. Criteria: ACMG Guidelines, 2015. Collection method: clinical testing. Allele origin: germline.
Comment: The INPP5E c.301G>C variant is predicted to result in the amino acid substitution p.Glu101Gln. To our knowledge, this variant has not been reported in the literature. This variant is reported in 0.016% of alleles in individuals of African descent in gnomAD. At this time, the clinical significance of this variant is uncertain due to the absence of conclusive functional and genetic evidence.

Labcorp Genetics (formerly Invitae), Labcorp
Classification: Uncertain significance for Joubert syndrome. Last evaluated: 2024-08-12. Review status: criteria provided, single submitter. Criteria: Invitae Variant Classification Sherloc (09022015). Collection method: clinical testing. Allele origin: germline.
Comment: This sequence change replaces glutamic acid, which is acidic and polar, with glutamine, which is neutral and polar, at codon 101 of the INPP5E protein (p.Glu101Gln). This variant is present in population databases (rs566641584, gnomAD 0.02%). This variant has not been reported in the literature in individuals affected with INPP5E-related conditions. ClinVar contains an entry for this variant (Variation ID: 933822). Advanced modeling of protein sequence and biophysical properties (such as structural, functional, and spatial information, amino acid conservation, physicochemical variation, residue mobility, and thermodynamic stability) performed at Invitae indicates that this missense variant is not expected to disrupt INPP5E protein function with a negative predictive value of 95%. In summary, the available evidence is currently insufficient to determine the role of this variant in disease. Therefore, it has been classified as a Variant of Uncertain Significance.

Blueprint Genetics
Classification: Uncertain significance. Last evaluated: 2019-07-29. Review status: criteria provided, single submitter. Criteria: ACMG Guidelines, 2015. Collection method: clinical testing. Allele origin: germline.